The following is an entry in ClinVar:

NM_004064.5(CDKN1B):c.247_250del (p.Ser83fs)

Gene: CDKN1B (cyclin dependent kinase inhibitor 1B; plus strand). Cytogenetic location: 12p13.1.
Variant type: Deletion.
Coding change: c.247_250del on transcript NM_004064.5 (MANE Select); coding-DNA positions 247 to 250, 4 bases deleted (AGCT; older notation c.247_250delAGCT).
Protein change: p.Ser83fs; shifts the reading frame from serine 83.
Molecular consequence: frameshift variant.
Genome position (GRCh38, 1-based): chr12:12,718,086-12,718,089, AGCT deleted. VCF-style (leftmost placement, unchanged base first): chr12-12718085-CAGCT-C. GRCh37 (hg19) VCF-style: chr12-12871019-CAGCT-C.
Other names: short protein forms S83fs.
Identifiers: ClinVar variation 3999753 (VCV003999753.1).

ClinVar aggregate classification (germline): Pathogenic (1 of 4 stars; one submission).

Conditions:
Hereditary cancer-predisposing syndrome. Also called: Tumor predisposition; Hereditary neoplastic syndrome; Neoplastic Syndromes, Hereditary; Hereditary Cancer Syndrome. Identifiers: Orphanet 140162, MedGen C0027672, MeSH D009386, MONDO:0015356.

Submission:

Ambry Genetics
Classification: Pathogenic for Hereditary cancer-predisposing syndrome. Last evaluated: 2025-05-25. Review status: criteria provided, single submitter. Criteria: Ambry Variant Classification Scheme 2023. Collection method: clinical testing. Allele origin: germline.
Comment: The c.247_250delAGCT pathogenic mutation, located in coding exon 1 of the CDKN1B gene, results from a deletion of 4 nucleotides at nucleotide positions 247 to 250, causing a translational frameshift with a predicted alternate stop codon (p.S83Cfs*35). This variant is considered to be rare based on population cohorts in the Genome Aggregation Database (gnomAD). This alteration is expected to result in loss of function by premature protein truncation or nonsense-mediated mRNA decay. As such, this alteration is interpreted as a disease-causing mutation.